The following is an entry in ClinVar:

NM_001370259.2(MEN1):c.1210C>T (p.Leu404Phe)

Gene: MEN1 (menin 1; minus strand). Cytogenetic location: 11q13.1.
Variant type: single nucleotide variant.
Coding change: c.1210C>T on transcript NM_001370259.2 (MANE Select); coding-DNA position 1210, C replaced by T.
Protein change: p.Leu404Phe; replaces leucine 404 with phenylalanine.
Molecular consequence: missense variant.
Genome position (GRCh38, 1-based): chr11:64,805,174, G>A on the plus strand (C>T on the coding strand, the complement: MEN1 is on the minus strand). VCF-style: chr11-64805174-G-A. GRCh37 (hg19) VCF-style: chr11-64572646-G-A.
Other names: c.1210C>T, p.Leu404Phe (NM_001370260.2, NM_001370261.2, NM_130799.3); c.1105C>T, p.Leu369Phe (NM_001370262.2, NM_001370263.2); c.1225C>T, p.Leu409Phe (NM_130800.3, NM_130801.3, NM_130802.3 and 3 more transcripts); c.1336C>T, p.Leu446Phe (NM_001370251.2); short protein forms L409F, L404F, L446F, L369F.
Identifiers: ClinVar variation 403836 (VCV000403836.10), dbSNP rs1060499989, ClinGen allele CA16613462.

ClinVar aggregate classification (germline): Uncertain significance (1 of 4 stars; one submission).

Conditions:
Multiple endocrine neoplasia, type 1 (MEN1). Also called: MEN I; WERMER SYNDROME; Endocrine adenomatosis multiple; MEN 1; MEA I. Identifiers: Orphanet 652, MedGen C0025267, MeSH D018761, MONDO:0007540, OMIM 131100.

Submission:

Labcorp Genetics (formerly Invitae), Labcorp
Classification: Uncertain significance for Multiple endocrine neoplasia, type 1. Last evaluated: 2019-06-14. Review status: criteria provided, single submitter. Criteria: Invitae Variant Classification Sherloc (09022015). Collection method: clinical testing. Allele origin: germline.
Comment: This sequence change replaces leucine with phenylalanine at codon 404 of the MEN1 protein (p.Leu404Phe). The leucine residue is highly conserved and there is a small physicochemical difference between leucine and phenylalanine. This variant is not present in population databases (ExAC no frequency) and has not been reported in the literature in individuals with a MEN1-related disease. Algorithms developed to predict the effect of missense changes on protein structure and function do not agree on the potential impact of this missense change (SIFT: "Deleterious"; PolyPhen-2: "Probably Damaging"; Align-GVGD: "Class C0"). In summary, this variant is a novel missense change with uncertain impact on protein function. It has been classified as a Variant of Uncertain Significance.